The following is an entry in ClinVar:

ClinVar aggregate classification (germline): Likely benign (1 of 4 stars; one submission).

Conditions:
X-linked lissencephaly with abnormal genitalia. Identifiers: Orphanet 452, MedGen C1846171, MONDO:0010268, OMIM 300215.

Submission:

Centre for Medical Genetics,  Mumbai
Classification: Likely benign for X-linked lissencephaly with abnormal genitalia. Last evaluated: 2026-03-30. Review status: criteria provided, single submitter. Criteria: ACMG Guidelines, 2015. Collection method: provider interpretation. Allele origin: germline. Inheritance: X-linked recessive inheritance. Affected: no. Observed: 1 variant allele, 1 homozygote.
Comment: The variant satisfies PM2 criteria; Extremely low frequency in gnomAD population databases. However, the variant satisfies BS2 criteria.

Literature cited by the submitters: PubMed 12379852.

NM_139058.3(ARX):c.425C>G (p.Ala142Gly)

Genes: ARX (aristaless related homeobox; minus strand), LOC109610631 (aristaless related homeobox polyalanine expansion region; plus strand). Cytogenetic location: Xp21.3.
Variant type: single nucleotide variant.
Coding change: c.425C>G on transcript NM_139058.3 (MANE Select); coding-DNA position 425, C replaced by G.
Protein change: p.Ala142Gly; replaces alanine 142 with glycine.
Molecular consequence: missense variant.
Genome position (GRCh38, 1-based): chrX:25,013,570, G>C on the plus strand (C>G on the coding strand, the complement: ARX is on the minus strand). VCF-style: chrX-25013570-G-C. GRCh37 (hg19) VCF-style: chrX-25031687-G-C.
Other names: short protein forms A142G.
Identifiers: ClinVar variation 4850543 (VCV004850543.1).